The following is an entry in ClinVar:

NM_000138.5(FBN1):c.7113G>T (p.Trp2371Cys)

Gene: FBN1 (fibrillin 1; minus strand). Cytogenetic location: 15q21.1.
Variant type: single nucleotide variant.
Coding change: c.7113G>T on transcript NM_000138.5 (MANE Select); coding-DNA position 7113, G replaced by T.
Protein change: p.Trp2371Cys; replaces tryptophan 2371 with cysteine.
Molecular consequence: missense variant.
Genome position (GRCh38, 1-based): chr15:48,427,658, C>A on the plus strand (G>T on the coding strand, the complement: FBN1 is on the minus strand). VCF-style: chr15-48427658-C-A. GRCh37 (hg19) VCF-style: chr15-48719855-C-A.
Other names: short protein forms W2371C.
Identifiers: ClinVar variation 264152 (VCV000264152.6), dbSNP rs886039063, ClinGen allele CA10587795.

ClinVar aggregate classification (germline): Uncertain significance (1 of 4 stars; one submission).

Conditions:
Familial thoracic aortic aneurysm and aortic dissection (TAAD). Also called: Thoracic aortic aneurysms and dissections. Identifiers: Orphanet 91387, MedGen C4707243, MONDO:0019625.

Submission:

Ambry Genetics
Classification: Uncertain significance for Familial thoracic aortic aneurysm and aortic dissection. Last evaluated: 2026-05-11. Review status: criteria provided, single submitter. Criteria: Ambry Variant Classification Scheme 2023. Collection method: clinical testing. Allele origin: germline.
Comment: The p.W2371C variant (also known as c.7113G>T), located in coding exon 57 of the FBN1 gene, results from a G to T substitution at nucleotide position 7113. The tryptophan at codon 2371 is replaced by cysteine, an amino acid with highly dissimilar properties. This amino acid position is highly conserved in available vertebrate species. In addition, this alteration is predicted to be deleterious by in silico analysis. Based on the available evidence, the clinical significance of this variant remains unclear.